The following is an entry in ClinVar:

NM_080425.4(GNAS):c.1860C>G (p.Phe620Leu)

Gene: GNAS (GNAS complex locus; plus strand). Cytogenetic location: 20q13.32.
Variant type: single nucleotide variant.
Coding change: c.1860C>G on transcript NM_080425.4 (MANE Plus Clinical); coding-DNA position 1860, C replaced by G.
Protein change: p.Phe620Leu; replaces phenylalanine 620 with leucine.
Molecular consequence: missense variant. On other transcripts: intron variant (3).
Genome position (GRCh38, 1-based): chr20:58,855,125, C>G. VCF-style: chr20-58855125-C-G. GRCh37 (hg19) VCF-style: chr20-57430180-C-G.
Other names: c.1673C>G, p.Ser558Trp (NM_001077490.3, NM_001309883.1); c.1860C>G, p.Phe620Leu (NM_001410913.1); c.*42+14239C>G (NM_016592.5); c.43+14239C>G (NM_001410912.1); c.-39+13250C>G (NM_001309861.2); short protein forms F620L, S558W.
Identifiers: ClinVar variation 3352552 (VCV003352552.2).

ClinVar aggregate classification (germline): Uncertain significance (1 of 4 stars; one submission).

Conditions:
GNAS-related disorder. Identifiers: MedGen CN380105.

gnomAD v4.1: 32 of 1,613,578 alleles (0.002%); highest among the groups gnomAD compares: Admixed American, 0.017%; no homozygotes.

Submission:

PreventionGenetics, part of Exact Sciences
Classification: Uncertain significance for GNAS-related condition. Last evaluated: 2026-01-15. Review status: criteria provided, single submitter. Criteria: ACMG Guidelines, 2015. Collection method: clinical testing. Allele origin: germline.
Comment: The GNAS c.1860C>G variant is predicted to result in the amino acid substitution p.Phe620Leu. To our knowledge, this variant has not been reported in the literature. This variant is reported in 0.020% of alleles in individuals of Latino descent in gnomAD, which is more common than expected for an undocumented disease-causing variant. Although we suspect this variant may be benign, at this time, the clinical significance is uncertain due to the absence of conclusive functional and genetic evidence.